The following is an entry in ClinVar:

NM_001377229.1(DISP1):c.540-47_540-6del

Gene: DISP1 (dispatched RND transporter family member 1; plus strand). Cytogenetic location: 1q41.
Variant type: Deletion.
Coding change: c.540-47_540-6del on transcript NM_001377229.1 (MANE Select); 47 bases into the intron before coding-DNA position 540 through 6 bases into the intron before coding-DNA position 540, 42 bases deleted.
Molecular consequence: intron variant.
Genome position (GRCh38, 1-based): chr1:222,990,578-222,990,619, 42 bases deleted; deleting any 42 consecutive bases within chr1:222,990,565-222,990,619 gives the same sequence; the c. name uses the placement nearest the transcript's 3' end. GRCh37 (hg19): chr1:223,163,920-223,163,961.
Other names: c.540-47_540-6del (NM_001377228.1, NM_001369594.1, NM_032890.5); c.-348-47_-348-6del (NM_001350630.2).
Identifiers: ClinVar variation 4765148 (VCV004765148.1).

ClinVar aggregate classification (germline): Uncertain significance (1 of 4 stars; one submission).

Submission:

Labcorp Genetics (formerly Invitae), Labcorp
Classification: Uncertain significance. Last evaluated: 2025-08-17. Review status: criteria provided, single submitter. Criteria: Invitae Variant Classification Sherloc (09022015). Collection method: clinical testing. Allele origin: germline.
Comment: This sequence change falls in intron 5 of the DISP1 gene. It does not directly change the encoded amino acid sequence of the DISP1 protein. This variant is not present in population databases (gnomAD no frequency). This variant has not been reported in the literature in individuals affected with DISP1-related conditions. Experimental studies and prediction algorithms are not available or were not evaluated, and the effect of this variant on mRNA splicing is currently unknown. In summary, the available evidence is currently insufficient to determine the role of this variant in disease. Therefore, it has been classified as a Variant of Uncertain Significance.